The following is an entry in ClinVar:

ClinVar aggregate classification (germline): Uncertain significance (1 of 4 stars; one submission).

Conditions:
Aortic aneurysm, familial thoracic 4 (AAT4). Also called: AORTIC ANEURYSM/AORTIC DISSECTION AND PATENT DUCTUS ARTERIOSUS. Identifiers: MedGen C1851504, MONDO:0007568, OMIM 132900.

Submission:

Labcorp Genetics (formerly Invitae), Labcorp
Classification: Uncertain significance for Aortic aneurysm, familial thoracic 4. Last evaluated: 2023-10-03. Review status: criteria provided, single submitter. Criteria: Invitae Variant Classification Sherloc (09022015). Collection method: clinical testing. Allele origin: unknown.
Comment: A copy number gain of the genomic region encompassing the full coding sequence of the MYH11 gene has been identified. The boundaries of this event are unknown as they extend beyond the assayed region for this gene and therefore may encompass additional genes. As the precise location of this event is unknown, it may be in tandem or it may be located elsewhere in the genome. Isolated whole-gene copy number gains of MYH11 have not been reported in the literature. However, larger copy number events that include this gene have been reported (PMID: 21698135, 22318994). In summary, the available evidence is currently insufficient to determine the role of this variant in disease. Therefore, it has been classified as a Variant of Uncertain Significance.

Literature cited by the submitters: PubMed 21698135; PubMed 22318994.

NC_000016.9:g.(?_15797828)_(15932129_?)dup

Genes: MYH11 (myosin heavy chain 11; minus strand), NDE1 (nudE neurodevelopment protein 1; plus strand). Cytogenetic location: 16p13.11.
Variant type: Duplication.
Identifiers: ClinVar variation 3243437 (VCV003243437.1).